The following is an entry in ClinVar:

NM_014363.6(SACS):c.4273_4275dup (p.Asp1425_Ile1426insAsp)

Gene: SACS (sacsin molecular chaperone; minus strand). Cytogenetic location: 13q12.12.
Variant type: Duplication.
Coding change: c.4273_4275dup on transcript NM_014363.6 (MANE Select); coding-DNA positions 4273 to 4275, 3 bases duplicated (GAC; older notation c.4273_4275dupGAC).
Protein change: p.Asp1425_Ile1426insAsp.
Molecular consequence: inframe insertion.
Genome position (GRCh38, 1-based): chr13:23,339,601-23,339,603, GTC duplicated on the plus strand (GAC on the coding strand, the reverse complement: SACS is on the minus strand). VCF-style (leftmost placement, unchanged base first): chr13-23339600-T-TGTC. GRCh37 (hg19) VCF-style: chr13-23913739-T-TGTC.
Other names: c.3832_3834dup, p.Asp1278_Ile1279insAsp (NM_001278055.2); c.4300_4302dup, p.Asp1434_Ile1435insAsp (NM_001437336.1).
Identifiers: ClinVar variation 5004808 (VCV005004808.1).
Genomic context (GRCh38, chr13:23,339,600, plus strand): 5'-GATTTATCAGTCTTGTACTAAGGCATGGAACTTTTAGCCATTCTGCAGTTTTCATGGGTA[T>TGTC]GTCCTCATGCACCAAAATGATTGGTTCCACAGAATCTTCAAGTAAGTCATTAAGGTCATC-3'

ClinVar aggregate classification (germline): Uncertain significance (1 of 4 stars; one submission).

Conditions:
Charlevoix-Saguenay spastic ataxia (SACS). Also called: AUTOSOMAL RECESSIVE SPASTIC ATAXIA OF CHARLEVOIX-SAGUENAY; Spastic ataxia of Charlevoix-Saguenay; SPASTIC ATAXIA 6, AUTOSOMAL RECESSIVE. Identifiers: Orphanet 98, MedGen C1849140, MONDO:0010041, OMIM 270550.

Submission:

Myriad Genetics, Inc.
Classification: Uncertain significance for Charlevoix-Saguenay spastic ataxia. Last evaluated: 2026-07-23. Review status: criteria provided, single submitter. Criteria: Myriad Autosomal Dominant, Autosomal Recessive and X-Linked Classification Criteria (2023). Collection method: clinical testing. Allele origin: unknown.
Comment: NM_014363.4(SACS):c.4273_4275dupGAC(D1425dup) is an in-frame insertion classified as a variant of uncertain significance in the context of autosomal recessive spastic ataxia of Charlevoix-Saguenay. D1425dup has not been observed in cases with relevant disease. Relevant functional assessments of this variant are not available in the literature. D1425dup has not been observed in referenced population frequency databases. In summary, there is insufficient evidence to classify NM_014363.4(SACS):c.4273_4275dupGAC(D1425dup) as pathogenic or benign. Please note: this variant was assessed in the context of healthy population screening.